The following is an entry in ClinVar:

ClinVar aggregate classification (germline): Uncertain significance. Review status: criteria provided, multiple submitters, no conflicts (2 of 4 stars). 2 submissions from 2 submitters: Uncertain significance (2). Last evaluated 2023-08-02.

Conditions:
Hereditary intrinsic factor deficiency (IFD). Also called: PERNICIOUS ANEMIA, CONGENITAL, DUE TO DEFECT OF INTRINSIC FACTOR; Congenital intrinsic factor deficiency. Identifiers: Orphanet 332, MedGen C2062370, MONDO:0009852, OMIM 261000.

Allele frequency attached by ClinVar (database versions not stated): TOPMed 0.00002; gnomAD 0.00003; 1000 Genomes Project 30x 0.00047; 1000 Genomes Project 0.00060.
gnomAD v4.1: 34 of 1,604,760 alleles (0.0021%); highest among the groups gnomAD compares: South Asian, 0.012%; no homozygotes.

Submissions (2):

Ambry Genetics
Classification: Uncertain significance. Last evaluated: 2023-08-02. Review status: criteria provided, single submitter. Criteria: Ambry Variant Classification Scheme 2023. Collection method: clinical testing. Allele origin: germline.

Labcorp Genetics (formerly Invitae), Labcorp
Classification: Uncertain significance for Hereditary intrinsic factor deficiency. Last evaluated: 2021-08-28. Review status: criteria provided, single submitter. Criteria: Invitae Variant Classification Sherloc (09022015). Collection method: clinical testing. Allele origin: germline.
Comment: In summary, the available evidence is currently insufficient to determine the role of this variant in disease. Therefore, it has been classified as a Variant of Uncertain Significance. Algorithms developed to predict the effect of missense changes on protein structure and function output the following: SIFT: "Deleterious"; PolyPhen-2: "Benign"; Align-GVGD: "Class C25". The isoleucine amino acid residue is found in multiple mammalian species, which suggests that this missense change does not adversely affect protein function. This variant has not been reported in the literature in individuals affected with GIF-related conditions. This variant is present in population databases (rs199655061, ExAC 0.02%). This sequence change replaces valine with isoleucine at codon 370 of the GIF protein (p.Val370Ile). The valine residue is highly conserved and there is a small physicochemical difference between valine and isoleucine.

NM_005142.3(CBLIF):c.1108G>A (p.Val370Ile)

Gene: CBLIF (cobalamin binding intrinsic factor; minus strand). Cytogenetic location: 11q12.1.
Variant type: single nucleotide variant.
Coding change: c.1108G>A on transcript NM_005142.3 (MANE Select); coding-DNA position 1108, G replaced by A.
Protein change: p.Val370Ile; replaces valine 370 with isoleucine.
Molecular consequence: missense variant.
Genome position (GRCh38, 1-based): chr11:59,831,762, C>T on the plus strand (G>A on the coding strand, the complement: CBLIF is on the minus strand). VCF-style: chr11-59831762-C-T. GRCh37 (hg19) VCF-style: chr11-59599235-C-T.
Other names: c.1108G>A (NM_005142.2); short protein forms V370I.
Identifiers: ClinVar variation 2139491 (VCV002139491.6), dbSNP rs199655061, ClinGen allele CA6021380.
Genomic context (GRCh38, chr11:59,831,762, plus strand): 5'-TAAGAAACTGCCAGTATGTCTTGTGATTAACATTTTCCGCGATATTGTTGATAGAAGAGA[C>T]GACAAGGCCCCAAGATGTCATTGTGGTTTCAAATCTAAAAAAAAGTTTATATATGATTAA-3'
Protein context (NP_005133.2, residues 360-380): ETTMTSWGLV[Val370Ile]SSINNIAENV